The following is an entry in ClinVar:

ClinVar aggregate classification (germline): Uncertain significance. Review status: criteria provided, multiple submitters, no conflicts (2 of 4 stars). 2 submissions from 2 submitters: Uncertain significance (2). Last evaluated 2026-03-18.

Conditions:
SEMA3C-related disorder. Also called: SEMA3C-related condition.

gnomAD v4.1: 11 of 1,612,884 alleles (0.00068%); highest among the groups gnomAD compares: Admixed American, 0.0033%; no homozygotes.

Submissions (2):

PreventionGenetics, part of Exact Sciences
Classification: Uncertain significance for SEMA3C-related condition. Last evaluated: 2026-03-18. Review status: criteria provided, single submitter. Criteria: ACMG Guidelines, 2015. Collection method: clinical testing. Allele origin: germline.
Comment: The SEMA3C c.1217G>A variant is predicted to result in the amino acid substitution p.Arg406Gln. To our knowledge, this variant has not been reported in the literature. This variant is reported in 0.00089% of alleles in individuals of European (Non-Finnish) descent in gnomAD. At this time, the clinical significance of this variant is uncertain due to the absence of conclusive functional and genetic evidence.

Ambry Genetics
Classification: Uncertain significance. Last evaluated: 2025-11-19. Review status: criteria provided, single submitter. Criteria: Ambry Variant Classification Scheme 2023. Collection method: clinical testing. Allele origin: germline.

NM_006379.5(SEMA3C):c.1163G>A (p.Arg388Gln)

Gene: SEMA3C (semaphorin 3C; minus strand). Cytogenetic location: 7q21.11.
Variant type: single nucleotide variant.
Coding change: c.1163G>A on transcript NM_006379.5 (MANE Select); coding-DNA position 1163, G replaced by A.
Protein change: p.Arg388Gln; replaces arginine 388 with glutamine.
Molecular consequence: missense variant.
Genome position (GRCh38, 1-based): chr7:80,789,497, C>T on the plus strand (G>A on the coding strand, the complement: SEMA3C is on the minus strand). VCF-style: chr7-80789497-C-T. GRCh37 (hg19) VCF-style: chr7-80418813-C-T.
Other names: c.1217G>A (NM_001350120.1); c.989G>A, p.Arg330Gln (NM_001350121.2); c.1217G>A, p.Arg406Gln (NM_001350120.2); short protein forms R388Q, R330Q, R406Q.
Identifiers: ClinVar variation 4582146 (VCV004582146.2).